The following is an entry in ClinVar:

NM_005228.5(EGFR):c.1446G>A (p.Gly482=)

Gene: EGFR (epidermal growth factor receptor; plus strand). Cytogenetic location: 7p11.2.
Variant type: single nucleotide variant.
Coding change: c.1446G>A on transcript NM_005228.5 (MANE Select); coding-DNA position 1446, G replaced by A.
Protein change: p.Gly482=; no amino-acid change (glycine 482 retained).
Molecular consequence: synonymous variant.
Genome position (GRCh38, 1-based): chr7:55,160,286, G>A. VCF-style: chr7-55160286-G-A. GRCh37 (hg19) VCF-style: chr7-55227979-G-A.
Other names: c.1446G>A (NM_005228.3); c.1311G>A, p.Gly437= (NM_001346897.2, NM_001346899.2); c.1446G>A, p.Gly482= (NM_001346898.2, NM_201282.2, NM_201284.2); c.1287G>A, p.Gly429= (NM_001346900.2); c.645G>A, p.Gly215= (NM_001346941.2).
Identifiers: ClinVar variation 1132312 (VCV001132312.32), dbSNP rs1351950283, ClinGen allele CA454970052.

ClinVar aggregate classification (germline): Likely benign. Review status: criteria provided, multiple submitters, no conflicts (2 of 4 stars). 3 submissions from 3 submitters: Likely benign (3). Last evaluated 2024-12-22.

Conditions:
EGFR-related lung cancer (EGFR). Identifiers: MedGen CN130014.
Hereditary cancer-predisposing syndrome. Also called: Tumor predisposition; Hereditary neoplastic syndrome; Hereditary Cancer Syndrome; Neoplastic Syndromes, Hereditary. Identifiers: Orphanet 140162, MedGen C0027672, MeSH D009386, MONDO:0015356.

Allele frequency attached by ClinVar (database versions not stated): gnomAD exomes below 0.00001.
gnomAD v4.1: 3 of 1,613,948 alleles (0.00019%); highest among the groups gnomAD compares: Non-Finnish European, 0.00025%; no homozygotes.

Submissions (3):

Ambry Genetics
Classification: Likely benign for Hereditary cancer-predisposing syndrome. Last evaluated: 2024-12-22. Review status: criteria provided, single submitter. Criteria: Ambry Variant Classification Scheme 2023. Collection method: clinical testing. Allele origin: germline.

Labcorp Genetics (formerly Invitae), Labcorp
Classification: Likely benign for EGFR-related lung cancer. Last evaluated: 2024-03-11. Review status: criteria provided, single submitter. Criteria: Invitae Variant Classification Sherloc (09022015). Collection method: clinical testing. Allele origin: germline.

CeGaT Center for Human Genetics Tuebingen
Classification: Likely benign. Last evaluated: 2024-02-01. Review status: criteria provided, single submitter. Criteria: CeGaT Center For Human Genetics Tuebingen Variant Classification Criteria Version 2. Collection method: clinical testing. Allele origin: germline. Affected: yes. Observed: 1 variant allele.
Comment: EGFR: BP4, BP7